The following is an entry in ClinVar:

ClinVar aggregate classification (germline): Uncertain significance (1 of 4 stars; one submission).

Allele frequency attached by ClinVar (database versions not stated): gnomAD exomes below 0.00001.
gnomAD v4.1: 1 of 1,611,294 alleles (0.000062%); highest among the groups gnomAD compares: Non-Finnish European, 0.000085%; no homozygotes.

Submission:

Labcorp Genetics (formerly Invitae), Labcorp
Classification: Uncertain significance. Last evaluated: 2024-08-12. Review status: criteria provided, single submitter. Criteria: Invitae Variant Classification Sherloc (09022015). Collection method: clinical testing. Allele origin: germline.
Comment: This sequence change replaces proline, which is neutral and non-polar, with leucine, which is neutral and non-polar, at codon 744 of the CACNA1E protein (p.Pro744Leu). This variant is not present in population databases (gnomAD no frequency). This variant has not been reported in the literature in individuals affected with CACNA1E-related conditions. ClinVar contains an entry for this variant (Variation ID: 1520837). Advanced modeling of protein sequence and biophysical properties (such as structural, functional, and spatial information, amino acid conservation, physicochemical variation, residue mobility, and thermodynamic stability) performed at Invitae indicates that this missense variant is not expected to disrupt CACNA1E protein function with a negative predictive value of 95%. In summary, the available evidence is currently insufficient to determine the role of this variant in disease. Therefore, it has been classified as a Variant of Uncertain Significance.

NM_001205293.3(CACNA1E):c.2231C>T (p.Pro744Leu)

Gene: CACNA1E (calcium voltage-gated channel subunit alpha1 E; plus strand). Cytogenetic location: 1q25.3.
Variant type: single nucleotide variant.
Coding change: c.2231C>T on transcript NM_001205293.3 (MANE Select); coding-DNA position 2231, C replaced by T.
Protein change: p.Pro744Leu; replaces proline 744 with leucine.
Molecular consequence: missense variant.
Genome position (GRCh38, 1-based): chr1:181,726,153, C>T. VCF-style: chr1-181726153-C-T. GRCh37 (hg19) VCF-style: chr1-181695289-C-T.
Other names: c.2231C>T, p.Pro744Leu (NM_000721.4, NM_001205294.2); short protein forms P744L.
Identifiers: ClinVar variation 1520837 (VCV001520837.8), dbSNP rs2102510206, ClinGen allele CA343628833.